The following is an entry in ClinVar:

NM_016589.4(TIMMDC1):c.479G>A (p.Arg160Gln)

Gene: TIMMDC1 (translocase of inner mitochondrial membrane domain containing 1; plus strand). Cytogenetic location: 3q13.33.
Variant type: single nucleotide variant.
Coding change: c.479G>A on transcript NM_016589.4 (MANE Select); coding-DNA position 479, G replaced by A.
Protein change: p.Arg160Gln; replaces arginine 160 with glutamine.
Molecular consequence: missense variant. On other transcripts: intron variant (1).
Genome position (GRCh38, 1-based): chr3:119,503,983, G>A. VCF-style: chr3-119503983-G-A. GRCh37 (hg19) VCF-style: chr3-119222830-G-A.
Other names: c.194+5056G>A (NM_001438040.1); short protein forms R160Q.
Identifiers: ClinVar variation 4278718 (VCV004278718.1).

ClinVar aggregate classification (germline): Uncertain significance (1 of 4 stars; one submission).

gnomAD v4.1: 20 of 1,613,348 alleles (0.0012%); highest among the groups gnomAD compares: South Asian, 0.0033%; no homozygotes.

Submission:

GeneDx
Classification: Uncertain significance. Last evaluated: 2025-04-02. Review status: criteria provided, single submitter. Criteria: GeneDx Variant Classification Process June 2021. Collection method: clinical testing. Allele origin: germline. Affected: yes.
Comment: In silico analysis supports that this missense variant has a deleterious effect on protein structure/function; In silico analysis is inconclusive as to whether the variant alters gene splicing. In the absence of RNA/functional studies, the actual effect of this sequence change is unknown.; Has not been previously published as pathogenic or benign to our knowledge